The following is an entry in ClinVar:

ClinVar aggregate classification (germline): Conflicting classifications of pathogenicity. Review status: criteria provided, conflicting classifications (1 of 4 stars). 3 submissions from 3 submitters: Uncertain significance (2); Likely benign (1). Last evaluated 2024-10-01.

Conditions:
Congenital adrenal hyperplasia due to cytochrome P450 oxidoreductase deficiency. Also called: DISORDERED STEROIDOGENESIS DUE TO POR DEFICIENCY. Identifiers: Orphanet 95699, MedGen C1860042, MONDO:0013310, OMIM 613571.

Allele frequency attached by ClinVar (database versions not stated): gnomAD exomes 0.00001 and 0.00002; ExAC 0.00003; TOPMed 0.00009; gnomAD 0.00010 and 0.00011.
gnomAD v4.1: 51 of 1,579,578 alleles (0.0032%); highest among the groups gnomAD compares: African/African-American, 0.012%; 1 homozygote.

Submissions (3):

Blueprint Genetics
Classification: Likely benign. Last evaluated: 2024-10-01. Review status: criteria provided, single submitter. Criteria: ACMG Guidelines, 2015. Collection method: clinical testing. Allele origin: germline.

GeneDx
Classification: Uncertain significance. Last evaluated: 2024-05-21. Review status: criteria provided, single submitter. Criteria: GeneDx Variant Classification Process June 2021. Collection method: clinical testing. Allele origin: germline. Affected: yes.
Comment: In silico analysis supports a deleterious effect on splicing; Has not been previously published as pathogenic or benign to our knowledge

Labcorp Genetics (formerly Invitae), Labcorp
Classification: Uncertain significance for Congenital adrenal hyperplasia due to cytochrome P450 oxidoreductase deficiency. Last evaluated: 2022-09-07. Review status: criteria provided, single submitter. Criteria: Invitae Variant Classification Sherloc (09022015). Collection method: clinical testing. Allele origin: germline.
Comment: This sequence change affects codon 476 of the POR mRNA. It is a 'silent' change, meaning that it does not change the encoded amino acid sequence of the POR protein. The frequency data for this variant in the population databases is considered unreliable, as metrics indicate poor data quality at this position in the gnomAD database. This variant has not been reported in the literature in individuals affected with POR-related conditions. ClinVar contains an entry for this variant (Variation ID: 1209271). Algorithms developed to predict the effect of sequence changes on RNA splicing suggest that this variant may create or strengthen a splice site. In summary, the available evidence is currently insufficient to determine the role of this variant in disease. Therefore, it has been classified as a Variant of Uncertain Significance.

NM_001395413.1(POR):c.1419G>A (p.Ala473=)

Gene: POR (cytochrome p450 oxidoreductase; plus strand). Cytogenetic location: 7q11.23.
Variant type: single nucleotide variant.
Coding change: c.1419G>A on transcript NM_001395413.1 (MANE Select); coding-DNA position 1419, G replaced by A.
Protein change: p.Ala473=; no amino-acid change (alanine 473 retained).
Molecular consequence: synonymous variant.
Genome position (GRCh38, 1-based): chr7:75,985,608, G>A. VCF-style: chr7-75985608-G-A. GRCh37 (hg19) VCF-style: chr7-75614926-G-A.
Other names: c.1419G>A, p.Ala473= (NM_001367562.3, NM_001382657.2, NM_001382658.3 and 1 more transcripts); c.1473G>A, p.Ala491= (NM_001382655.3); c.1269G>A, p.Ala423= (NM_001382662.3); c.1428G>A (NM_000941.2).
Identifiers: ClinVar variation 1209271 (VCV001209271.8), dbSNP rs782722572, ClinGen allele CA4304138.